The following is an entry in ClinVar:

NM_005188.4(CBL):c.2107C>T (p.Pro703Ser)

Gene: CBL (Cbl proto-oncogene; plus strand). Cytogenetic location: 11q23.3.
Variant type: single nucleotide variant.
Coding change: c.2107C>T on transcript NM_005188.4 (MANE Select); coding-DNA position 2107, C replaced by T.
Protein change: p.Pro703Ser; replaces proline 703 with serine.
Molecular consequence: missense variant.
Genome position (GRCh38, 1-based): chr11:119,296,988, C>T. VCF-style: chr11-119296988-C-T. GRCh37 (hg19) VCF-style: chr11-119167698-C-T.
Other names: short protein forms P703S.
Identifiers: ClinVar variation 1717734 (VCV001717734.5), dbSNP rs1229733932, ClinGen allele CA382927089.

ClinVar aggregate classification (germline): Uncertain significance (1 of 4 stars; one submission).

Conditions:
RASopathy. Also called: rasopathies; Noonan spectrum disorder. Identifiers: Orphanet 536391, MedGen C5555857, MONDO:0021060.

gnomAD v4.1: 3 of 1,611,922 alleles (0.00019%); highest among the groups gnomAD compares: East Asian, 0.0022%; no homozygotes.

Submission:

Labcorp Genetics (formerly Invitae), Labcorp
Classification: Uncertain significance for RASopathy. Last evaluated: 2024-10-24. Review status: criteria provided, single submitter. Criteria: Invitae Variant Classification Sherloc (09022015). Collection method: clinical testing. Allele origin: germline.
Comment: This sequence change replaces proline, which is neutral and non-polar, with serine, which is neutral and polar, at codon 703 of the CBL protein (p.Pro703Ser). This variant is present in population databases (no rsID available, gnomAD 0.006%). This variant has not been reported in the literature in individuals affected with CBL-related conditions. ClinVar contains an entry for this variant (Variation ID: 1717734). Invitae Evidence Modeling of protein sequence and biophysical properties (such as structural, functional, and spatial information, amino acid conservation, physicochemical variation, residue mobility, and thermodynamic stability) indicates that this missense variant is not expected to disrupt CBL protein function with a negative predictive value of 95%. In summary, the available evidence is currently insufficient to determine the role of this variant in disease. Therefore, it has been classified as a Variant of Uncertain Significance.